The following is an entry in ClinVar:

ClinVar aggregate classification (germline): Pathogenic (1 of 4 stars; one submission).

Submission:

GeneDx
Classification: Pathogenic. Last evaluated: 2012-12-31. Review status: criteria provided, single submitter. Criteria: GeneDx Variant Classification (06012015). Collection method: clinical testing. Allele origin: germline. Affected: yes.
Comment: c.2562+1 G>T: IVS15+1 G>T in intron 15 of the SCN2A gene (NM_021007.2). The c.2562+1 G>T splice site mutation in the SCN2A gene destroys the canonical splice donor site in intron 15. It is predicted to cause abnormal gene splicing, either leading to an abnormal message that is subject to nonsense-mediated mRNA decay, or to an abnormal protein product if the message is used for protein translation. Although splice site mutations have not been previously reported in the SCN2A gene, other loss of function mutations have been published in association with epilepsy. The variant is found in EPILEPSY panel(s).

NM_001040142.2(SCN2A):c.2562+1G>T

Gene: SCN2A (sodium voltage-gated channel alpha subunit 2; plus strand). Cytogenetic location: 2q24.3.
Variant type: single nucleotide variant.
Coding change: c.2562+1G>T on transcript NM_001040142.2 (MANE Select); the canonical splice donor site of the intron after coding-DNA position 2562, G replaced by T.
Molecular consequence: splice donor variant.
Genome position (GRCh38, 1-based): chr2:165,342,470, G>T. VCF-style: chr2-165342470-G-T. GRCh37 (hg19) VCF-style: chr2-166198980-G-T.
Other names: c.2562+1G>T (NM_001040143.2, NM_001371246.1, NM_001371247.1 and 1 more transcripts).
Identifiers: ClinVar variation 206967 (VCV000206967.2), dbSNP rs796053113, ClinGen allele CA317873.